The following is an entry in ClinVar:

ClinVar aggregate classification (germline): Uncertain significance (1 of 4 stars; one submission).

Conditions:
Seizures, benign familial neonatal, 2. Also called: Benign Neonatal Epilepsy 2; CONVULSIONS, BENIGN FAMILIAL NEONATAL, 2; KCNQ3-Related Benign Familial Neonatal Epilepsy; Seizures, benign neonatal, 2; KCNQ3-Related Self-Limited Familial Neonatal Epilepsy (SLFNE). Identifiers: Orphanet 1949, MedGen C1852581, MONDO:0007366, OMIM 121201.

Submission:

MVZ Medizinische Genetik Mainz
Classification: Uncertain significance for Seizures, benign familial neonatal, 2. Last evaluated: 2026-02-10. Review status: criteria provided, single submitter. Criteria: UK Practice Guidelines For Variant Classification V4 01 2020. Collection method: clinical testing. Allele origin: germline. Inheritance: Autosomal dominant inheritance. Affected: yes. Observed: 1 variant allele.
Comment: ACMG Criteria: PP3_MOD,PM1_SUP,PM2_SUP

NM_004519.4(KCNQ3):c.677T>C (p.Leu226Pro)

Gene: KCNQ3 (potassium voltage-gated channel subfamily Q member 3; minus strand). Cytogenetic location: 8q24.22.
Variant type: single nucleotide variant.
Coding change: c.677T>C on transcript NM_004519.4 (MANE Select); coding-DNA position 677, T replaced by C.
Protein change: p.Leu226Pro; replaces leucine 226 with proline.
Molecular consequence: missense variant.
Genome position (GRCh38, 1-based): chr8:132,180,257, A>G on the plus strand (T>C on the coding strand, the complement: KCNQ3 is on the minus strand). VCF-style: chr8-132180257-A-G. GRCh37 (hg19) VCF-style: chr8-133192504-A-G.
Other names: c.317T>C, p.Leu106Pro (NM_001204824.2); short protein forms L106P, L226P.
Identifiers: ClinVar variation 4796772 (VCV004796772.1).